The following is an entry in ClinVar:

ClinVar aggregate classification (germline): Conflicting classifications of pathogenicity. Review status: criteria provided, conflicting classifications (1 of 4 stars). 2 submissions from 2 submitters: Uncertain significance (1); Likely benign (1). Last evaluated 2026-06-15.

Conditions:
UCP3-related disorder. Also called: UCP3-related condition.

Allele frequency attached by ClinVar (database versions not stated): gnomAD 0.00001; gnomAD exomes 0.00001; TOPMed 0.00002; ExAC 0.00004.

Submissions (2):

PreventionGenetics, part of Exact Sciences
Classification: Uncertain significance for UCP3-related condition. Last evaluated: 2026-06-15. Review status: criteria provided, single submitter. Criteria: ACMG Guidelines, 2015. Collection method: clinical testing. Allele origin: germline.
Comment: The UCP3 c.223T>C variant is predicted to result in the amino acid substitution p.Cys75Arg. To our knowledge, this variant has not been reported in the literature. This variant is reported in 0.026% of alleles in individuals of Latino descent in gnomAD. At this time, the clinical significance of this variant is uncertain due to the absence of conclusive functional and genetic evidence.

Ambry Genetics
Classification: Likely benign. Last evaluated: 2024-02-27. Review status: criteria provided, single submitter. Criteria: Ambry Variant Classification Scheme 2023. Collection method: clinical testing. Allele origin: germline.

NM_003356.4(UCP3):c.223T>C (p.Cys75Arg)

Gene: UCP3 (uncoupling protein 3; minus strand). Cytogenetic location: 11q13.4.
Variant type: single nucleotide variant.
Coding change: c.223T>C on transcript NM_003356.4 (MANE Select); coding-DNA position 223, T replaced by C.
Protein change: p.Cys75Arg; replaces cysteine 75 with arginine.
Molecular consequence: missense variant.
Genome position (GRCh38, 1-based): chr11:74,006,283, A>G on the plus strand (T>C on the coding strand, the complement: UCP3 is on the minus strand). VCF-style: chr11-74006283-A-G. GRCh37 (hg19) VCF-style: chr11-73717328-A-G.
Other names: c.223T>C, p.Cys75Arg (NM_022803.3); short protein forms C75R.
Identifiers: ClinVar variation 2634522 (VCV002634522.4), dbSNP rs763606111, ClinGen allele CA6181580.
Genomic context (GRCh38, chr11:74,006,283, plus strand): 5'-GGATGGAGGCGAAGCTCATCTGGCGCTGCAGGCCGGCCACCAGCCCATTGTAGGGGCTGC[A>G]GGGACCCTCAGTCCGCACCATGGTCAGGATGGTGCCCAGCACGCCACGGTACTGCACGAG-3'
Protein context (NP_003347.1, residues 65-85): ILTMVRTEGP[Cys75Arg]SPYNGLVAGL